The following is an entry in ClinVar:

ClinVar aggregate classification (germline): Benign/Likely benign. Review status: criteria provided, multiple submitters, no conflicts (2 of 4 stars). 3 submissions from 3 submitters: Benign (1); Likely benign (2). Last evaluated 2026-05-05.

Allele frequency attached by ClinVar (database versions not stated): gnomAD 0.00001; gnomAD exomes 0.00003 and 0.00006; ExAC 0.00007.
gnomAD v4.1: 45 of 1,609,910 alleles (0.0028%); highest among the groups gnomAD compares: South Asian, 0.021%; no homozygotes.

Submissions (3):

Revvity Omics, Revvity
Classification: Benign. Last evaluated: 2026-05-05. Review status: criteria provided, single submitter. Criteria: ACMG Guidelines, 2015. Collection method: clinical testing. Allele origin: germline.

CeGaT Center for Human Genetics Tuebingen
Classification: Likely benign. Last evaluated: 2025-11-01. Review status: criteria provided, single submitter. Criteria: CeGaT Center For Human Genetics Tuebingen Variant Classification Criteria Version 2. Collection method: clinical testing. Allele origin: germline. Affected: yes. Observed: 2 variant alleles.
Comment: CNNM2: BP4, BP7

Labcorp Genetics (formerly Invitae), Labcorp
Classification: Likely benign. Last evaluated: 2018-04-02. Review status: criteria provided, single submitter. Criteria: Invitae Variant Classification Sherloc (09022015). Collection method: clinical testing. Allele origin: germline.

NM_017649.5(CNNM2):c.414C>T (p.Pro138=)

Genes: CNNM2 (cyclin and CBS domain divalent metal cation transport mediator 2; plus strand), LOC130004628 (ATAC-STARR-seq lymphoblastoid silent region 2775; plus strand). Cytogenetic location: 10q24.32.
Variant type: single nucleotide variant.
Coding change: c.414C>T on transcript NM_017649.5 (MANE Select); coding-DNA position 414, C replaced by T.
Protein change: p.Pro138=; no amino-acid change (proline 138 retained).
Molecular consequence: synonymous variant.
Genome position (GRCh38, 1-based): chr10:102,918,894, C>T. VCF-style: chr10-102918894-C-T. GRCh37 (hg19) VCF-style: chr10-104678651-C-T.
Other names: c.414C>T, p.Pro138= (NM_199076.3, NM_199077.3).
Identifiers: ClinVar variation 738246 (VCV000738246.41), dbSNP rs780495399, ClinGen allele CA5670266.